The following is an entry in ClinVar:

ClinVar aggregate classification (germline): Conflicting classifications of pathogenicity. Review status: criteria provided, conflicting classifications (1 of 4 stars). 2 submissions from 2 submitters: Likely pathogenic (1); Uncertain significance (1). Last evaluated 2024-08-20.

Conditions:
Desmin-related myofibrillar myopathy (MFM1). Also called: MYOFIBRILLAR MYOPATHY WITH ARRHYTHMOGENIC RIGHT VENTRICULAR CARDIOMYOPATHY; DESMIN-RELATED MYOPATHY WITH ARRHYTHMOGENIC RIGHT VENTRICULAR CARDIOMYOPATHY; Myofibrillar myopathy 1; Desminopathy; Desmin related myopathy (former name); Desmin storage myopathy (former name). Identifiers: Orphanet 363543, Orphanet 98909, MedGen C1832370, MONDO:0011076, OMIM 601419.

Submissions (2):

Labcorp Genetics (formerly Invitae), Labcorp
Classification: Uncertain significance for Desmin-related myofibrillar myopathy. Last evaluated: 2024-08-20. Review status: criteria provided, single submitter. Criteria: Invitae Variant Classification Sherloc (09022015). Collection method: clinical testing. Allele origin: germline.
Comment: This sequence change disrupts the translational stop signal of the DES mRNA. It is expected to extend the length of the DES protein by 151 additional amino acid residues. This variant is not present in population databases (gnomAD no frequency). This variant has not been reported in the literature in individuals affected with DES-related conditions. ClinVar contains an entry for this variant (Variation ID: 201716). In summary, the available evidence is currently insufficient to determine the role of this variant in disease. Therefore, it has been classified as a Variant of Uncertain Significance.

GeneDx
Classification: Likely pathogenic. Last evaluated: 2014-06-11. Review status: criteria provided, single submitter. Criteria: GeneDx Variant Classification (06012015). Collection method: clinical testing. Allele origin: germline. Affected: yes.
Comment: p.Stop471SerextX151 (TAA>TCA): c.1412 A>C in exon 9 of the DES gene (NM_001927.3) The X471S variant in the DES gene has not been reported as a disease-causing mutation or as a benign polymorphism to our knowledge, however the X471Y mutation has been reported in a patient with AV block (Wahbi K et al., 2012). The X471S was not observed in approximately 6,500 individuals of European and African American ancestry in the NHLBI Exome Sequencing Project, indicating it is not a common benign variant in these populations. The X471S variant changes the normal Stop codon to a Serine residue, leading to the addition of other amino acids at the C-terminal end of the DES protein. However, in the absence of mRNA studies, the functional consequence of the extension of the protein is unknown. Therefore, this variant is a strong candidate for a pathogenic mutation, however the possibility that it is a benign variant cannot be excluded. The variant is found in CARDIOMYOPATHY panel(s).

NM_001927.4(DES):c.1412A>C (p.Ter471Ser)

Gene: DES (desmin; plus strand). Cytogenetic location: 2q35.
Variant type: single nucleotide variant.
Coding change: c.1412A>C on transcript NM_001927.4 (MANE Select); coding-DNA position 1412, A replaced by C.
Protein change: p.Ter471Ser.
Molecular consequence: stop lost.
Genome position (GRCh38, 1-based): chr2:219,425,989, A>C. VCF-style: chr2-219425989-A-C. GRCh37 (hg19) VCF-style: chr2-220290711-A-C.
Other names: p.*471SextX151:TAA>TCA; c.1412A>C (LRG_380t1).
Identifiers: ClinVar variation 201716 (VCV000201716.4), dbSNP rs794728991, ClinGen allele CA308298.
Genomic context (GRCh38, chr2:219,425,989, plus strand): 5'-GGGCTTCTCTTCCTCCCCAGGTCGTCAGTGAGGCCACACAGCAGCAGCATGAAGTGCTCT[A>C]AAGACAGAGACCCTCTGCCACCAGAGACCGTCCTCACCCCTGTCCTCACTGCTCCCTGAA-3'